The following is an entry in ClinVar:

ClinVar aggregate classification (germline): Uncertain significance. Review status: criteria provided, multiple submitters, no conflicts (2 of 4 stars). 3 submissions from 3 submitters: Uncertain significance (3). Last evaluated 2024-01-05.

Conditions:
Combined oxidative phosphorylation deficiency 44. Also called: FASTKD2-Related Combined Oxidative Phosphorylation Deficiency. Identifiers: MedGen C5394293, MONDO:0030020, OMIM 618855.
Inborn genetic diseases. Identifiers: MedGen C0950123, MeSH D030342.

Allele frequency attached by ClinVar (database versions not stated): gnomAD exomes 0.00001 and 0.00002; ExAC 0.00004; ESP Exome Variant Server 0.00008; gnomAD 0.00014.

Submissions (3):

Fulgent Genetics
Classification: Uncertain significance for Combined oxidative phosphorylation deficiency 44. Last evaluated: 2024-01-05. Review status: criteria provided, single submitter. Criteria: ACMG Guidelines, 2015. Collection method: clinical testing. Allele origin: germline.

GeneDx
Classification: Uncertain significance. Last evaluated: 2021-11-18. Review status: criteria provided, single submitter. Criteria: GeneDx Variant Classification Process June 2021. Collection method: clinical testing. Allele origin: germline. Affected: yes.
Comment: In silico analysis supports that this missense variant does not alter protein structure/function; Has not been previously published as pathogenic or benign to our knowledge; In-silico analysis is inconclusive as to whether the variant alters gene splicing. In the absence of RNA/functional studies, the actual effect of this sequence change is unknown.

Ambry Genetics
Classification: Uncertain significance for Inborn genetic diseases. Last evaluated: 2021-09-16. Review status: criteria provided, single submitter. Criteria: Ambry Variant Classification Scheme 2023. Collection method: clinical testing. Allele origin: germline.

NM_001136193.2(FASTKD2):c.889G>A (p.Val297Ile)

Gene: FASTKD2 (FAST kinase domains 2; plus strand). Cytogenetic location: 2q33.3.
Variant type: single nucleotide variant.
Coding change: c.889G>A on transcript NM_001136193.2 (MANE Select); coding-DNA position 889, G replaced by A.
Protein change: p.Val297Ile; replaces valine 297 with isoleucine.
Molecular consequence: missense variant.
Genome position (GRCh38, 1-based): chr2:206,771,189, G>A. VCF-style: chr2-206771189-G-A. GRCh37 (hg19) VCF-style: chr2-207635913-G-A.
Other names: c.889G>A, p.Val297Ile (NM_001136194.2, NM_014929.4); short protein forms V297I.
Identifiers: ClinVar variation 1326233 (VCV001326233.6), dbSNP rs373041286, ClinGen allele CA2074997.
Genomic context (GRCh38, chr2:206,771,189, plus strand): 5'-TTCTTCTGCTTTGAAGATTCTATGATTTTAATATTTATTGTGTTTGATAACAGAATACTA[G>A]TTGATCAGCAAGTTTGGAAAATAGAAGATGTCTTCACATTACAAGTTGTGATGAAGTGTA-3'
Protein context (NP_001129665.1, residues 287-307): HVLRTGFRIL[Val297Ile]DQQVWKIEDV